The following is an entry in ClinVar:

NM_025207.5(FLAD1):c.1310G>A (p.Arg437His)

Gene: FLAD1 (flavin adenine dinucleotide synthetase 1; plus strand). Cytogenetic location: 1q21.3.
Variant type: single nucleotide variant.
Coding change: c.1310G>A on transcript NM_025207.5 (MANE Select); coding-DNA position 1310, G replaced by A.
Protein change: p.Arg437His; replaces arginine 437 with histidine.
Molecular consequence: missense variant.
Genome position (GRCh38, 1-based): chr1:154,990,203, G>A. VCF-style: chr1-154990203-G-A. GRCh37 (hg19) VCF-style: chr1-154962679-G-A.
Other names: p.Arg437His; c.1019G>A, p.Arg340His (NM_001184891.2, NM_201398.3); short protein forms R437H, R340H.
Identifiers: ClinVar variation 736228 (VCV000736228.13), dbSNP rs144820916, ClinGen allele CA1134534.

ClinVar aggregate classification (germline): Likely benign. Review status: criteria provided, multiple submitters, no conflicts (2 of 4 stars). 4 submissions from 4 submitters: Likely benign (4). Last evaluated 2026-01-19.

Allele frequency attached by ClinVar (database versions not stated): gnomAD exomes 0.00056; ExAC 0.00081; 1000 Genomes Project 30x 0.00156; 1000 Genomes Project 0.00160; gnomAD 0.00210; TOPMed 0.00239; ESP Exome Variant Server 0.00354.
gnomAD v4.1: 669 of 1,614,050 alleles (0.041%); highest among the groups gnomAD compares: African/African-American, 0.75%; 1 homozygote.

Submissions (4):

Labcorp Genetics (formerly Invitae), Labcorp
Classification: Likely benign. Last evaluated: 2026-01-19. Review status: criteria provided, single submitter. Criteria: Invitae Variant Classification Sherloc (09022015). Collection method: clinical testing. Allele origin: germline.

Mayo Clinic Laboratories, Mayo Clinic
Classification: Likely benign. Last evaluated: 2025-03-04. Review status: criteria provided, single submitter. Criteria: ACMG Guidelines, 2015. Collection method: clinical testing. Allele origin: germline. Observed: 2 variant alleles.
Comment: BS1, BP4

GeneDx
Classification: Likely benign. Last evaluated: 2021-02-03. Review status: criteria provided, single submitter. Criteria: GeneDx Variant Classification Process June 2021. Collection method: clinical testing. Allele origin: germline. Affected: yes.

Breakthrough Genomics
Classification: Likely benign. Review status: criteria provided, single submitter. Criteria: ACMG Guidelines, 2015. Collection method: not provided. Allele origin: germline. Inheritance: Autosomal recessive inheritance. Affected: yes.